The following is an entry in ClinVar:

NM_001127208.3(TET2):c.3172A>G (p.Met1058Val)

Genes: TET2 (tet methylcytosine dioxygenase 2; plus strand), TET2-AS1 (TET2 antisense RNA 1; minus strand). Cytogenetic location: 4q24.
Variant type: single nucleotide variant.
Coding change: c.3172A>G on transcript NM_001127208.3 (MANE Select); coding-DNA position 3172, A replaced by G.
Protein change: p.Met1058Val; replaces methionine 1058 with valine.
Molecular consequence: missense variant.
Genome position (GRCh38, 1-based): chr4:105,237,114, A>G. VCF-style: chr4-105237114-A-G. GRCh37 (hg19) VCF-style: chr4-106158271-A-G.
Other names: c.3172A>G, p.Met1058Val (NM_017628.4); short protein forms M1058V.
Identifiers: ClinVar variation 3005645 (VCV003005645.4), dbSNP rs1384013531, ClinGen allele CA357802367.

ClinVar aggregate classification (germline): Uncertain significance. Review status: criteria provided, multiple submitters, no conflicts (2 of 4 stars). 2 submissions from 2 submitters: Uncertain significance (2). Last evaluated 2025-06-09.

Allele frequency attached by ClinVar (database versions not stated): TOPMed below 0.00001.

Submissions (2):

Ambry Genetics
Classification: Uncertain significance. Last evaluated: 2025-06-09. Review status: criteria provided, single submitter. Criteria: Ambry Variant Classification Scheme 2023. Collection method: clinical testing. Allele origin: germline.
Comment: The p.M1058V variant (also known as c.3172A>G), located in coding exon 1 of the TET2 gene, results from an A to G substitution at nucleotide position 3172. The methionine at codon 1058 is replaced by valine, an amino acid with highly similar properties. This amino acid position is conserved. In addition, this alteration is predicted to be tolerated by in silico analysis. Based on the available evidence, the clinical significance of this variant remains unclear.

Labcorp Genetics (formerly Invitae), Labcorp
Classification: Uncertain significance. Last evaluated: 2022-11-04. Review status: criteria provided, single submitter. Criteria: Invitae Variant Classification Sherloc (09022015). Collection method: clinical testing. Allele origin: germline.
Comment: In summary, the available evidence is currently insufficient to determine the role of this variant in disease. Therefore, it has been classified as a Variant of Uncertain Significance. This sequence change replaces methionine, which is neutral and non-polar, with valine, which is neutral and non-polar, at codon 1058 of the TET2 protein (p.Met1058Val). This variant is present in population databases (no rsID available, gnomAD 0.006%). This variant has not been reported in the literature in individuals affected with TET2-related conditions. Algorithms developed to predict the effect of missense changes on protein structure and function output the following: SIFT: "Tolerated"; PolyPhen-2: "Benign"; Align-GVGD: "Class C0". The valine amino acid residue is found in multiple mammalian species, which suggests that this missense change does not adversely affect protein function.